The following is an entry in ClinVar:

ClinVar aggregate classification (germline): Uncertain significance (1 of 4 stars; one submission).

gnomAD v4.1: 3 of 1,610,148 alleles (0.00019%); highest among the groups gnomAD compares: Non-Finnish European, 0.00025%; no homozygotes.

Submission:

Labcorp Genetics (formerly Invitae), Labcorp
Classification: Uncertain significance. Last evaluated: 2025-12-30. Review status: criteria provided, single submitter. Criteria: Invitae Variant Classification Sherloc (09022015). Collection method: clinical testing. Allele origin: germline.
Comment: This sequence change replaces lysine, which is basic and polar, with glutamic acid, which is acidic and polar, at codon 1829 of the HMCN1 protein (p.Lys1829Glu). This variant is present in population databases (rs776233119, gnomAD 0.0009%). This variant has not been reported in the literature in individuals affected with HMCN1-related conditions. An algorithm developed to predict the effect of missense changes on protein structure and function (PolyPhen-2) suggests that this variant is likely to be disruptive. In summary, the available evidence is currently insufficient to determine the role of this variant in disease. Therefore, it has been classified as a Variant of Uncertain Significance.

NM_031935.3(HMCN1):c.5485A>G (p.Lys1829Glu)

Gene: HMCN1 (hemicentin 1; plus strand). Cytogenetic location: 1q31.1.
Variant type: single nucleotide variant.
Coding change: c.5485A>G on transcript NM_031935.3 (MANE Select); coding-DNA position 5485, A replaced by G.
Protein change: p.Lys1829Glu; replaces lysine 1829 with glutamic acid.
Molecular consequence: missense variant.
Genome position (GRCh38, 1-based): chr1:186,019,555, A>G. VCF-style: chr1-186019555-A-G. GRCh37 (hg19) VCF-style: chr1-185988687-A-G.
Other names: short protein forms K1829E.
Identifiers: ClinVar variation 4708552 (VCV004708552.1).